The following is an entry in ClinVar:

ClinVar aggregate classification (germline): Benign/Likely benign. Review status: criteria provided, multiple submitters, no conflicts (2 of 4 stars). 7 submissions from 7 submitters: Benign (1); Likely benign (6). Last evaluated 2024-11-26.

Conditions:
Hereditary spastic paraplegia. Also called: Familial spastic paraparesis. Identifiers: Orphanet 685, MedGen C0037773, MONDO:0019064. Disease mechanism: loss of function.
Hereditary spastic paraplegia 48. Also called: SPASTIC PARAPLEGIA 48, AUTOSOMAL RECESSIVE; Spastic paraplegia 48. Identifiers: Orphanet 306511, MedGen C3150901, MONDO:0013342, OMIM 613647.

Allele frequency attached by ClinVar (database versions not stated): gnomAD exomes 0.00148; ExAC 0.00171; ESP Exome Variant Server 0.00506; gnomAD 0.00526 and 0.00560; TOPMed 0.00625; 1000 Genomes Project 0.00699; 1000 Genomes Project 30x 0.00750.
gnomAD v4.1: 1,902 of 1,606,994 alleles (0.12%); highest among the groups gnomAD compares: African/African-American, 1.9%; 26 homozygotes.

Submissions (7):

Blueprint Genetics
Classification: Likely benign. Last evaluated: 2024-11-26. Review status: criteria provided, single submitter. Criteria: ACMG Guidelines, 2015. Collection method: clinical testing. Allele origin: germline.

GeneDx
Classification: Likely benign. Last evaluated: 2023-10-10. Review status: criteria provided, single submitter. Criteria: GeneDx Variant Classification Process June 2021. Collection method: clinical testing. Allele origin: germline. Affected: yes.
Comment: See Variant Classification Assertion Criteria.

Mayo Clinic Laboratories, Mayo Clinic
Classification: Benign. Last evaluated: 2022-03-11. Review status: criteria provided, single submitter. Criteria: ACMG Guidelines, 2015. Collection method: clinical testing. Allele origin: germline. Observed: 4 variant alleles.
Comment: BS1, BS2, BP4

Genome Diagnostics Laboratory, The Hospital for Sick Children
Classification: Likely benign for Hereditary spastic paraplegia. Last evaluated: 2021-04-01. Review status: criteria provided, single submitter. Criteria: ACMG Guidelines, 2015. Collection method: clinical testing. Allele origin: germline. Affected: yes.

Athena Diagnostics
Classification: Likely benign. Last evaluated: 2018-05-23. Review status: criteria provided, single submitter. Criteria: Athena Diagnostics Criteria. Collection method: clinical testing. Allele origin: germline.

Illumina Laboratory Services, Illumina
Classification: Likely benign for Hereditary spastic paraplegia 48. Last evaluated: 2018-04-13. Review status: criteria provided, single submitter. Criteria: ICSL Variant Classification Criteria 13 December 2019. Collection method: clinical testing. Allele origin: germline.
Comment: This variant was observed as part of a predisposition screen in an ostensibly healthy population. A literature search was performed for the gene, cDNA change, and amino acid change (where applicable). No publications were found based on this search. Allele frequency data from public databases allowed determination this variant is unlikely to cause disease. Therefore, this variant is classified as likely benign.

Breakthrough Genomics
Classification: Likely benign. Review status: criteria provided, single submitter. Criteria: ACMG Guidelines, 2015. Collection method: not provided. Allele origin: germline. Inheritance: Autosomal recessive inheritance. Affected: yes.

NM_014855.3(AP5Z1):c.-1G>C

Genes: AP5Z1 (adaptor related protein complex 5 subunit zeta 1; plus strand), LOC129997861 (ATAC-STARR-seq lymphoblastoid active region 25565; plus strand). Cytogenetic location: 7p22.1.
Variant type: single nucleotide variant.
Coding change: c.-1G>C on transcript NM_014855.3 (MANE Select); 1 bases upstream of the start codon, G replaced by C.
Molecular consequence: 5 prime UTR variant. On other transcripts: non-coding transcript variant (1).
Genome position (GRCh38, 1-based): chr7:4,775,715, G>C. VCF-style: chr7-4775715-G-C. GRCh37 (hg19) VCF-style: chr7-4815346-G-C.
Other names: c.-282G>C (NM_001364858.1).
Identifiers: ClinVar variation 585436 (VCV000585436.15), dbSNP rs146143723, ClinGen allele CA4136996.
Genomic context (GRCh38, chr7:4,775,715, plus strand): 5'-GCTCCTGGGCTGCAGCTCCTGGAGTTTCCGAGGTTCGTGCGCGTCTGGTGGCGGCGGCGT[G>C]ATGTTCTCGGCAGGAGCGGAGAGTTTGCTCCACCAGGCCAGGTACGGGGGAGCTGCGGCC-3'